The following is an entry in ClinVar:

NM_012200.4(B3GAT3):c.134G>T (p.Arg45Leu)

Gene: B3GAT3 (beta-1,3-glucuronyltransferase 3; minus strand). Cytogenetic location: 11q12.3.
Variant type: single nucleotide variant.
Coding change: c.134G>T on transcript NM_012200.4 (MANE Select); coding-DNA position 134, G replaced by T.
Protein change: p.Arg45Leu; replaces arginine 45 with leucine.
Molecular consequence: missense variant. On other transcripts: non-coding transcript variant (1).
Genome position (GRCh38, 1-based): chr11:62,620,620, C>A on the plus strand (G>T on the coding strand, the complement: B3GAT3 is on the minus strand). VCF-style: chr11-62620620-C-A. GRCh37 (hg19) VCF-style: chr11-62388092-C-A.
Other names: c.113G>T, p.Arg38Leu (NM_001288721.2); c.134G>T, p.Arg45Leu (NM_001288722.2, NM_001288723.2); short protein forms R38L, R45L.
Identifiers: ClinVar variation 1710840 (VCV001710840.7), dbSNP rs139875377, ClinGen allele CA6050201.

ClinVar aggregate classification (germline): Uncertain significance. Review status: criteria provided, multiple submitters, no conflicts (2 of 4 stars). 2 submissions from 2 submitters: Uncertain significance (2). Last evaluated 2022-05-12.

Conditions:
Larsen-like syndrome, B3GAT3 type. Also called: MULTIPLE JOINT DISLOCATIONS, SHORT STATURE, AND CRANIOFACIAL DYSMORPHISM WITH OR WITHOUT CONGENITAL HEART DEFECTS; Multiple joint dislocations, short stature, craniofacial dysmorphism, with or without congenital heart defects. Identifiers: Orphanet 284139, MedGen CN034159, MONDO:0009511, OMIM 245600.

gnomAD v4.1: 20 of 1,612,456 alleles (0.0012%); highest among the groups gnomAD compares: African/African-American, 0.0013%; no homozygotes.

Submissions (2):

Labcorp Genetics (formerly Invitae), Labcorp
Classification: Uncertain significance for Larsen-like syndrome, B3GAT3 type. Last evaluated: 2022-05-12. Review status: criteria provided, single submitter. Criteria: Invitae Variant Classification Sherloc (09022015). Collection method: clinical testing. Allele origin: germline.
Comment: This sequence change replaces arginine, which is basic and polar, with leucine, which is neutral and non-polar, at codon 45 of the B3GAT3 protein (p.Arg45Leu). This variant is present in population databases (rs139875377, gnomAD 0.004%). This variant has not been reported in the literature in individuals affected with B3GAT3-related conditions. Algorithms developed to predict the effect of missense changes on protein structure and function are either unavailable or do not agree on the potential impact of this missense change (SIFT: "Deleterious"; PolyPhen-2: "Benign"; Align-GVGD: "Class C0"). In summary, the available evidence is currently insufficient to determine the role of this variant in disease. Therefore, it has been classified as a Variant of Uncertain Significance.

GeneDx
Classification: Uncertain significance. Last evaluated: 2022-04-11. Review status: criteria provided, single submitter. Criteria: GeneDx Variant Classification Process June 2021. Collection method: clinical testing. Allele origin: germline. Affected: yes.
Comment: Not observed at significant frequency in large population cohorts (gnomAD); In silico analysis supports that this missense variant does not alter protein structure/function; Has not been previously published as pathogenic or benign to our knowledge